The following is an entry in ClinVar:

NM_003470.3(USP7):c.1626G>T (p.Glu542Asp)

Gene: USP7 (ubiquitin specific peptidase 7; minus strand). Cytogenetic location: 16p13.2.
Variant type: single nucleotide variant.
Coding change: c.1626G>T on transcript NM_003470.3 (MANE Select); coding-DNA position 1626, G replaced by T.
Protein change: p.Glu542Asp; replaces glutamic acid 542 with aspartic acid.
Molecular consequence: missense variant. On other transcripts: non-coding transcript variant (1).
Genome position (GRCh38, 1-based): chr16:8,904,513, C>A on the plus strand (G>T on the coding strand, the complement: USP7 is on the minus strand). VCF-style: chr16-8904513-C-A. GRCh37 (hg19) VCF-style: chr16-8998370-C-A.
Other names: c.1578G>T, p.Glu526Asp (NM_001286457.2); c.1329G>T, p.Glu443Asp (NM_001286458.2); c.1452G>T, p.Glu484Asp (NM_001321858.2); short protein forms E443D, E484D, E526D, E542D.
Identifiers: ClinVar variation 4885936 (VCV004885936.2).

ClinVar aggregate classification (germline): Uncertain significance (1 of 4 stars; one submission).

gnomAD v4.1: 5 of 1,614,208 alleles (0.00031%); highest among the groups gnomAD compares: Non-Finnish European, 0.00034%; no homozygotes.

Submission:

Dasa
Classification: Uncertain significance. Last evaluated: 2024-11-01. Review status: criteria provided, single submitter. Criteria: DASA Assertion Criteria. Collection method: clinical testing. Allele origin: germline.
Comment: NM_003470.3(USP7):c.1626G>T (p.Glu542Asp) is a missense variant that results in the substitution of glutamic acid with aspartic acid. This variant is rare in population databases. Computational prediction algorithms are consistent with a benign effect. The currently available literature and clinical evidence are not sufficient to establish a definitive association between this variant and the reported condition. Therefore, this variant is classified as a variant of uncertain significance.